The following is an entry in ClinVar:

NM_001793.6(CDH3):c.1677_1710del (p.Ser559fs)

Gene: CDH3 (cadherin 3; plus strand). Cytogenetic location: 16q22.1.
Variant type: Deletion.
Coding change: c.1677_1710del on transcript NM_001793.6 (MANE Select); coding-DNA positions 1677 to 1710, 34 bases deleted.
Protein change: p.Ser559fs; shifts the reading frame from serine 559.
Molecular consequence: frameshift variant.
Genome position (GRCh38, 1-based): chr16:68,687,618-68,687,651, 34 bases deleted; deleting any 34 consecutive bases within chr16:68,687,615-68,687,651 gives the same sequence; the c. name uses the placement nearest the transcript's 3' end. GRCh37 (hg19): chr16:68,721,521-68,721,554.
Other names: c.1677_1710del, p.Ser559fs (NM_001317195.3); c.1512_1545del, p.Ser504fs (NM_001317196.2); short protein forms S504fs, S559fs.
Identifiers: ClinVar variation 4733819 (VCV004733819.1).

ClinVar aggregate classification (germline): Pathogenic (1 of 4 stars; one submission).

Submission:

Labcorp Genetics (formerly Invitae), Labcorp
Classification: Pathogenic. Last evaluated: 2025-12-29. Review status: criteria provided, single submitter. Criteria: Invitae Variant Classification Sherloc (09022015). Collection method: clinical testing. Allele origin: germline.
Comment: This sequence change creates a premature translational stop signal (p.Ser559Argfs*37) in the CDH3 gene. It is expected to result in an absent or disrupted protein product. Loss-of-function variants in CDH3 are known to be pathogenic (PMID: 15805154, 27386845, 29620724). This variant is not present in population databases (gnomAD no frequency). This variant has not been reported in the literature in individuals affected with CDH3-related conditions. For these reasons, this variant has been classified as Pathogenic.

Literature cited by the submitters: PubMed 15805154; PubMed 27386845; PubMed 29620724.